The following is an entry in ClinVar:

ClinVar aggregate classification (germline): Uncertain significance (1 of 4 stars; one submission).

Allele frequency attached by ClinVar (database versions not stated): gnomAD exomes below 0.00001; gnomAD 0.00001.
gnomAD v4.1: 4 of 1,594,094 alleles (0.00025%); highest among the groups gnomAD compares: African/African-American, 0.0027%; no homozygotes.

Submission:

Labcorp Genetics (formerly Invitae), Labcorp
Classification: Uncertain significance. Last evaluated: 2025-05-12. Review status: criteria provided, single submitter. Criteria: Invitae Variant Classification Sherloc (09022015). Collection method: clinical testing. Allele origin: germline.
Comment: This sequence change replaces lysine, which is basic and polar, with arginine, which is basic and polar, at codon 52 of the CLCC1 protein (p.Lys52Arg). This variant is not present in population databases (gnomAD no frequency). This variant has not been reported in the literature in individuals affected with CLCC1-related conditions. ClinVar contains an entry for this variant (Variation ID: 2074732). An algorithm developed to predict the effect of missense changes on protein structure and function (PolyPhen-2) suggests that this variant is likely to be tolerated. In summary, the available evidence is currently insufficient to determine the role of this variant in disease. Therefore, it has been classified as a Variant of Uncertain Significance.

NM_001377458.1(CLCC1):c.155A>G (p.Lys52Arg)

Gene: CLCC1 (chloride channel CLIC like 1; minus strand). Cytogenetic location: 1p13.3.
Variant type: single nucleotide variant.
Coding change: c.155A>G on transcript NM_001377458.1 (MANE Select); coding-DNA position 155, A replaced by G.
Protein change: p.Lys52Arg; replaces lysine 52 with arginine.
Molecular consequence: missense variant. On other transcripts: 5 prime UTR variant (1), non-coding transcript variant (1), intron variant (1).
Genome position (GRCh38, 1-based): chr1:108,949,896, T>C on the plus strand (A>G on the coding strand, the complement: CLCC1 is on the minus strand). VCF-style: chr1-108949896-T-C. GRCh37 (hg19) VCF-style: chr1-109492518-T-C.
Other names: c.155A>G, p.Lys52Arg (NM_001048210.3, NM_001278202.2, NM_001278203.1 and 11 more transcripts); c.-308A>G (NM_001377470.1); c.129+413A>G (NM_001377469.1); short protein forms K52R.
Identifiers: ClinVar variation 2074732 (VCV002074732.4), dbSNP rs1654980142, ClinGen allele CA341466416.
Genomic context (GRCh38, chr1:108,949,896, plus strand): 5'-TCAAGTTTGTGATAACATTCTGATATTTCATCAGCACATGACAAGTCAGGACTGACATCC[T>C]TTTCCCCTGAAATACCATATTTTGCCTAAAACAGAGTATAGAAACATTTTATTTCTTTAT-3'
Protein context (NP_001364387.1, residues 42-62): SQAKYGISGE[Lys52Arg]DVSPDLSCAD